The following is an entry in ClinVar:

ClinVar aggregate classification (germline): Uncertain significance (1 of 4 stars; one submission).

Submission:

GeneDx
Classification: Uncertain significance. Last evaluated: 2024-10-28. Review status: criteria provided, single submitter. Criteria: GeneDx Variant Classification Process June 2021. Collection method: clinical testing. Allele origin: germline. Affected: yes.
Comment: Has not been previously published as pathogenic or benign to our knowledge; Not observed at significant frequency in large population cohorts (gnomAD); In silico analysis indicates that this missense variant does not alter protein structure/function

NM_001367624.2(ZNF469):c.4175G>T (p.Gly1392Val)

Gene: ZNF469 (zinc finger protein 469; plus strand). Cytogenetic location: 16q24.2.
Variant type: single nucleotide variant.
Coding change: c.4175G>T on transcript NM_001367624.2 (MANE Select); coding-DNA position 4175, G replaced by T.
Protein change: p.Gly1392Val; replaces glycine 1392 with valine.
Molecular consequence: missense variant.
Genome position (GRCh38, 1-based): chr16:88,431,645, G>T. VCF-style: chr16-88431645-G-T. GRCh37 (hg19) VCF-style: chr16-88498053-G-T.
Other names: NM_001127464.1:c.4091G>T; short protein forms G1392V.
Identifiers: ClinVar variation 3893583 (VCV003893583.1).
Genomic context (GRCh38, chr16:88,431,645, plus strand): 5'-GGCCTCAGCCCTACAGCAGCCCCCACAGTGAGTTGTTCCTCGGACCCAAAGACCTGGCTG[G>T]CTGTTTCCTGGAAGAACTGCACCCCAAGCCCTCAGCCAGGGATGCCCCGCCGGCCAGCAG-3'
Protein context (NP_001354553.1, residues 1382-1402): ELFLGPKDLA[Gly1392Val]CFLEELHPKP